The following continues an entry in ClinVar:

NM_000059.4(BRCA2):c.4284dup (p.Gln1429fs)

Gene: BRCA2. ClinVar aggregate classification (germline): Pathogenic. Pathogenic (1).

Submissions 9 to 18 of 41:

ARUP Laboratories, Molecular Genetics and Genomics, ARUP Laboratories
Classification: Pathogenic. Last evaluated: 2025-06-23. Review status: criteria provided, single submitter. Criteria: ARUP Molecular Germline Variant Investigation Process 2024. Collection method: clinical testing. Allele origin: germline. Not counted in ClinVar's aggregate classification.
Comment: The BRCA2 c.4284dupT; p.Gln1429SerfsTer9 variant (rs1005805156), also known as c.4512dup, is reported in the literature in multiple individuals affected with breast or ovarian cancer or that met criteria for hereditary breast and/or ovarian cancer (HBOC) syndrome (Fernandes 2016, Koumpis 2011, Palmero 2018, Risch 2001, Zhang 2011, Zuradelli 2010). This variant is present on a single chromosome in the Genome Aggregation Database, indicating it is not a common polymorphism, and it is reported as pathogenic by multiple laboratories in ClinVar (Variation ID: 37892). This variant causes a frameshift by inserting a single nucleotide, so it is predicted to result in a truncated protein or mRNA subject to nonsense-mediated decay. Based on available information, this variant is considered to be pathogenic. References: Fernandes GC et al. Prevalence of BRCA1/BRCA2 mutations in a Brazilian population sample at-risk for hereditary breast cancer and characterization of its genetic ancestry. Oncotarget. 2016 Dec 6;7(49):80465-80481. Koumpis C et al. Prevalence of BRCA1 and BRCA2 mutations in unselected breast cancer patients from Greece. Hered Cancer Clin Pract. 2011 Nov 15;9:10. Palmero EI et al. The germline mutational landscape of BRCA1 and BRCA2 in Brazil. Sci Rep. 2018 Jun 15;8(1):9188. Risch HA et al. Prevalence and penetrance of germline BRCA1 and BRCA2 mutations in a population series of 649 women with ovarian cancer. Am J Hum Genet. 2001 Mar;68(3):700-10. Zhang S et al. Frequencies of BRCA1 and BRCA2 mutations among 1,342 unselected patients with invasive ovarian cancer. Gynecol Oncol. 2011 May 1;121(2):353-7. Zuradelli M et al. Four new cases of double heterozygosity for BRCA1 and BRCA2 gene mutations: clinical, pathological, and family characteristics. Breast Cancer Res Treat. 2010 Nov;124(1):251-8.

GeneKor MSA
Classification: Pathogenic for Hereditary breast ovarian cancer syndrome. Last evaluated: 2025-05-15. Review status: criteria provided, single submitter. Criteria: ACMG Guidelines, 2015. Collection method: clinical testing. Allele origin: germline. Affected: yes. Not counted in ClinVar's aggregate classification.
Comment: This variant is a duplication of T at nucleotide position 4284 in exon 11 of the BRCA2 mRNA c.(4284dupT), causing a frameshift after codon 1429 and the creation of a premature translation stop signal 9 amino acid residues later, p.(Gln1429Serfs*9). This is expected to result in an absent or disrupted protein product. Truncating variants in BRCA2 are known to be pathogenic (PMID:20104584). This variant is not present in population databases (rs80359439). ClinVar contains entries for this variant where it is listed as pathogenic (VCV000037892.116). Based on the classification criteria set by the ACMG and AMP (PMID:25741868) this variant has been classified as pathogenic.

Ambry Genetics
Classification: Pathogenic for Hereditary cancer-predisposing syndrome. Last evaluated: 2025-04-24. Review status: criteria provided, single submitter. Criteria: Ambry Variant Classification Scheme 2023. Collection method: clinical testing. Allele origin: germline. Not counted in ClinVar's aggregate classification.
Comment: The c.4284dupT pathogenic mutation, located in coding exon 10 of the BRCA2 gene, results from a duplication of T at nucleotide position 4284, causing a translational frameshift with a predicted alternate stop codon (p.Q1429Sfs*9). This mutation has been reported in multiple individuals diagnosed with breast and/or ovarian cancer (Risch HA et al. Am. J. Hum. Genet. 2001 Mar;68:700-10; Koumpis C et al. Hered Cancer Clin Pract. 2011;9:10; Zhang S et al. Gynecol. Oncol. 2011 May;121:353-7; Fernandes GC et al. Oncotarget. 2016 Dec;7:80465-80481; Labidi-Galy SI et al. Clin. Cancer Res. 2018 01;24:326-333; Marchetti C et al. Ann. Surg. Oncol. 2018 Nov;25:3701-3708; Rebbeck TR et al. Hum. Mutat. 2018 05;39:593-620), an individual with prostate cancer (Pilie PG et al. Cancer. 2017 Oct;123(20):3925-3932), and one individual with medulloblastoma diagnosed in infancy (Waszak SM et al. Lancet Oncol. 2018 06;19:785-798). Of note, this alteration is also designated as 4512insT and 4510insT in published literature. In addition to the clinical data presented in the literature, this alteration is expected to result in loss of function by premature protein truncation or nonsense-mediated mRNA decay. As such, this alteration is interpreted as a disease-causing mutation.

CeGaT Center for Human Genetics Tuebingen
Classification: Pathogenic. Last evaluated: 2025-02-01. Review status: criteria provided, single submitter. Criteria: CeGaT Center For Human Genetics Tuebingen Variant Classification Criteria Version 2. Collection method: clinical testing. Allele origin: germline. Affected: yes. Observed: 3 variant alleles. Not counted in ClinVar's aggregate classification.
Comment: BRCA2: PVS1, PS4:Moderate, PM2:Supporting

Institute for Biomarker Research, Medical Diagnostic Laboratories, L.L.C.
Classification: Pathogenic for Hereditary breast ovarian cancer syndrome. Last evaluated: 2025-01-27. Review status: criteria provided, single submitter. Criteria: ACMG Guidelines, 2015. Collection method: clinical testing. Allele origin: germline. Not counted in ClinVar's aggregate classification.
Comment: The frameshift duplication NM_000059.4(BRCA2):c.4284dupT (p.Gln1429Serfs*9) has been reported to ClinVar as Pathogenic with a status of (3 stars) reviewed by expert panel (Variation ID 37892 as of 2025-01-02). This variant is predicted to cause loss of normal protein function through protein truncation caused a frameshift mutation. This variant is a frameshift variant which occurs in an exon of BRCA2 upstream of where nonsense mediated decay is predicted to occur. This variant has been previously classified as pathogenic, indicating that the region is critical to protein function. The p.Gln1429Serfs*9 variant is a loss of function variant in the gene BRCA2, which is intolerant of Loss of Function variants, as indicated by the presence of existing pathogenic loss of function variant NP_000050.3:p.M1Lfs*44 and 4557 others. For these reasons, this variant has been classified as Pathogenic.

Institute of Human Genetics, University of Leipzig Medical Center
Classification: Pathogenic for Familial cancer of breast. Last evaluated: 2024-05-07. Review status: criteria provided, single submitter. Criteria: ACMG Guidelines, 2015. Collection method: clinical testing. Allele origin: maternal. Inheritance: Autosomal dominant inheritance. Affected: yes. Not counted in ClinVar's aggregate classification.
Comment: Criteria applied: PVS1,PM5_STR

Blueprint Genetics
Classification: Pathogenic for BRCA2-related disorders. Last evaluated: 2024-04-26. Review status: criteria provided, single submitter. Criteria: ACMG Guidelines, 2015. Collection method: clinical testing. Allele origin: germline. Affected: yes. Observed: 3 variant alleles. Not counted in ClinVar's aggregate classification.

Quest Diagnostics Nichols Institute San Juan Capistrano
Classification: Pathogenic. Last evaluated: 2024-04-09. Review status: criteria provided, single submitter. Criteria: Quest Diagnostics criteria. Collection method: clinical testing. Allele origin: unknown. Not counted in ClinVar's aggregate classification.
Comment: The BRCA2 c.4284dup (p.Gln1429Serfs*9) variant (also known as 4512insT) alters the translational reading frame of the BRCA2 mRNA and causes the premature termination of BRCA2 protein synthesis. This variant has been reported in the published literature in individuals with breast/ovarian cancer (PMIDs: 32846166 (2020), 27741520 (2016), 21120943 (2011), 22085629 (2011), 11179017 (2001)) and prostate cancer (PMID: 28657667 (2017)). The frequency of this variant in the general population, 0.0000041 (1/244426 chromosomes (Genome Aggregation Database)), is consistent with pathogenicity. Based on the available information, this variant is classified as pathogenic.

All of Us Research Program, National Institutes of Health
Classification: Pathogenic for BRCA2-related cancer predisposition. Last evaluated: 2024-03-28. Review status: criteria provided, single submitter. Criteria: ACMG Guidelines, 2015. Collection method: clinical testing. Allele origin: germline. Inheritance: Autosomal dominant inheritance. Observed: 6 variant alleles, 6 heterozygotes. Not counted in ClinVar's aggregate classification.
Comment: This variant inserts 1 nucleotide in exon 11 of the BRCA2 gene, creating a frameshift and premature translation stop signal. This variant is expected to result in an absent or non-functional protein product. This variant has been reported in at least 10 individuals affected with breast and ovarian cancer (PMID: 11179017, 21324516, 22085629, 24728189, 27741520, 29084914, 30128899, 33471991; Leiden Open Variation Database DB-ID BRCA2_001668) and in suspected hereditary breast and ovarian cancer families (PMID: 21120943, 24156927, 29483665). This variant also has been reported in an individual affected with prostate cancer with multiple primary malignancies and another individual affected with medulloblastoma (PMID: 28657667, 29753700). This variant has been identified in 1/244426 chromosomes in the general population by the Genome Aggregation Database (gnomAD). Loss of BRCA2 function is a known mechanism of disease. Based on the available evidence, this variant is classified as Pathogenic.

This study involves interpretation of variants in research participants for the purpose of population health screening. Participant phenotype was not available at the time of variant classification. Additional details can be found in publication PMID: 35346344, PMCID: PMC8962531

Color Diagnostics, LLC DBA Color Health
Classification: Pathogenic for Hereditary cancer-predisposing syndrome. Last evaluated: 2024-03-04. Review status: criteria provided, single submitter. Criteria: ACMG Guidelines, 2015. Collection method: clinical testing. Allele origin: germline. Not counted in ClinVar's aggregate classification.
Comment: This variant inserts 1 nucleotide in exon 11 of the BRCA2 gene, creating a frameshift and premature translation stop signal. This variant is expected to result in an absent or non-functional protein product. This variant has been reported in at least 10 individuals affected with breast and ovarian cancer (PMID: 11179017, 21324516, 22085629, 24728189, 27741520, 29084914, 30128899, 33471991; Leiden Open Variation Database DB-ID BRCA2_001668) and in suspected hereditary breast and ovarian cancer families (PMID: 21120943, 24156927, 29483665). This variant also has been reported in an individual affected with prostate cancer with multiple primary malignancies and another individual affected with medulloblastoma (PMID: 28657667, 29753700). This variant has been identified in 1/244426 chromosomes in the general population by the Genome Aggregation Database (gnomAD). Loss of BRCA2 function is a known mechanism of disease. Based on the available evidence, this variant is classified as Pathogenic.